The following is an entry in ClinVar:

ClinVar aggregate classification (germline): Likely benign (1 of 4 stars; one submission).

Allele frequency attached by ClinVar (database versions not stated): gnomAD exomes below 0.00001; TOPMed 0.00002.
gnomAD v4.1: 5 of 1,613,404 alleles (0.00031%); highest among the groups gnomAD compares: African/African-American, 0.0067%; no homozygotes.

Submission:

CeGaT Center for Human Genetics Tuebingen
Classification: Likely benign. Last evaluated: 2022-05-01. Review status: criteria provided, single submitter. Criteria: CeGaT Center For Human Genetics Tuebingen Variant Classification Criteria Version 2. Collection method: clinical testing. Allele origin: germline. Affected: yes. Observed: 1 variant allele.
Comment: MACF1: BP4, BP7

NM_001394062.1(MACF1):c.3789T>C (p.Ser1263=)

Gene: MACF1 (microtubule actin crosslinking factor 1; plus strand). Cytogenetic location: 1p34.3.
Variant type: single nucleotide variant.
Coding change: c.3789T>C on transcript NM_001394062.1 (MANE Select); coding-DNA position 3789, T replaced by C.
Protein change: p.Ser1263=; no amino-acid change (serine 1263 retained).
Molecular consequence: synonymous variant.
Genome position (GRCh38, 1-based): chr1:39,318,459, T>C. VCF-style: chr1-39318459-T-C. GRCh37 (hg19) VCF-style: chr1-39784131-T-C.
Other names: c.3804T>C, p.Ser1268= (NM_012090.5).
Identifiers: ClinVar variation 2638695 (VCV002638695.24), dbSNP rs906046887, ClinGen allele CA20939035.